The following is an entry in ClinVar:

ClinVar aggregate classification (germline): Uncertain significance (1 of 4 stars; one submission).

Conditions:
Primary pulmonary hypertension. Also called: Idiopathic pulmonary hypertension. Identifiers: MedGen C0152171.

Submission:

Labcorp Genetics (formerly Invitae), Labcorp
Classification: Uncertain significance for Primary pulmonary hypertension. Last evaluated: 2025-04-11. Review status: criteria provided, single submitter. Criteria: Invitae Variant Classification Sherloc (09022015). Collection method: clinical testing. Allele origin: germline.
Comment: This sequence change replaces glycine, which is neutral and non-polar, with glutamic acid, which is acidic and polar, at codon 390 of the BMPR2 protein (p.Gly390Glu). This variant is not present in population databases (gnomAD no frequency). This variant has not been reported in the literature in individuals affected with BMPR2-related conditions. Invitae Evidence Modeling of protein sequence and biophysical properties (such as structural, functional, and spatial information, amino acid conservation, physicochemical variation, residue mobility, and thermodynamic stability) has been performed for this missense variant. However, the output from this modeling did not meet the statistical confidence thresholds required to predict the impact of this variant on BMPR2 protein function. In summary, the available evidence is currently insufficient to determine the role of this variant in disease. Therefore, it has been classified as a Variant of Uncertain Significance.

NM_001204.7(BMPR2):c.1169G>A (p.Gly390Glu)

Gene: BMPR2 (bone morphogenetic protein receptor type 2; plus strand). Cytogenetic location: 2q33.2.
Variant type: single nucleotide variant.
Coding change: c.1169G>A on transcript NM_001204.7 (MANE Select); coding-DNA position 1169, G replaced by A.
Protein change: p.Gly390Glu; replaces glycine 390 with glutamic acid.
Molecular consequence: missense variant.
Genome position (GRCh38, 1-based): chr2:202,532,625, G>A. VCF-style: chr2-202532625-G-A. GRCh37 (hg19) VCF-style: chr2-203397348-G-A.
Other names: short protein forms G390E.
Identifiers: ClinVar variation 4746084 (VCV004746084.1).
Genomic context (GRCh38, chr2:202,532,625, plus strand): 5'-ATATCACTCTAATTTATCAGGTTGGCACTATCAGATATATGGCACCAGAAGTGCTAGAAG[G>A]AGCTGTGAACTTGAGGGACTGTGAATCAGCTTTGAAACAAGTAGACATGTATGCTCTTGG-3'
Protein context (NP_001195.2, residues 380-400): IRYMAPEVLE[Gly390Glu]AVNLRDCESA